The following is an entry in ClinVar:

NM_006231.4(POLE):c.3264_3265insC (p.Val1089fs)

Gene: POLE (DNA polymerase epsilon, catalytic subunit; minus strand). Cytogenetic location: 12q24.33.
Variant type: Insertion.
Coding change: c.3264_3265insC on transcript NM_006231.4 (MANE Select); coding-DNA positions 3264 to 3265, C inserted.
Protein change: p.Val1089fs; shifts the reading frame from valine 1089.
Molecular consequence: frameshift variant.
Genome position: GRCh38 VCF-style: chr12-132659305-C-CG. GRCh37 (hg19) VCF-style: chr12-133235891-C-CG.
Other names: short protein forms V1089fs.
Identifiers: ClinVar variation 1972529 (VCV001972529.5), dbSNP rs2042626867, ClinGen allele CA953520873.

ClinVar aggregate classification (germline): Pathogenic (1 of 4 stars; one submission).

Allele frequency attached by ClinVar (database versions not stated): gnomAD exomes below 0.00001.

Submission:

Labcorp Genetics (formerly Invitae), Labcorp
Classification: Pathogenic. Last evaluated: 2025-05-22. Review status: criteria provided, single submitter. Criteria: Invitae Variant Classification Sherloc (09022015). Collection method: clinical testing. Allele origin: germline.
Comment: This sequence change creates a premature translational stop signal (p.Val1089Argfs*35) in the POLE gene. It is expected to result in an absent or disrupted protein product. Loss-of-function variants in POLE are known to be pathogenic (PMID: 23230001, 25948378, 30503519). This variant is not present in population databases (gnomAD no frequency). This variant has not been reported in the literature in individuals affected with POLE-related conditions. ClinVar contains an entry for this variant (Variation ID: 1972529). For these reasons, this variant has been classified as Pathogenic.

Literature cited by the submitters: PubMed 23230001; PubMed 25948378; PubMed 30503519.